The following is an entry in ClinVar:

NM_016953.4(PDE11A):c.1738-10T>G

Gene: PDE11A (phosphodiesterase 11A; minus strand). Cytogenetic location: 2q31.2.
Variant type: single nucleotide variant.
Coding change: c.1738-10T>G on transcript NM_016953.4 (MANE Select); 10 bases into the intron before coding-DNA position 1738, T replaced by G.
Molecular consequence: intron variant.
Genome position (GRCh38, 1-based): chr2:177,769,383, A>C on the plus strand (T>G on the coding strand, the complement: PDE11A is on the minus strand). VCF-style: chr2-177769383-A-C. GRCh37 (hg19) VCF-style: chr2-178634111-A-C.
Other names: c.988-10T>G (NM_001077197.2); c.664-10T>G (NM_001077358.2); c.406-10T>G (NM_001077196.2).
Identifiers: ClinVar variation 3058344 (VCV003058344.3), dbSNP rs771860947, ClinGen allele CA1981829.

ClinVar aggregate classification (germline): Likely benign. Review status: criteria provided, single submitter (1 of 4 stars). 2 submissions from 2 submitters: Likely benign (1). 1 of the submissions does not count toward it. Last evaluated 2024-04-04.

Conditions:
Pigmented nodular adrenocortical disease, primary, 2 (PPNAD2). Also called: CUSHING SYNDROME, ADRENAL, DUE TO PPNAD2; PIGMENTED MICRONODULAR ADRENOCORTICAL DISEASE, PRIMARY, 2. Identifiers: Orphanet 189439, MedGen C1864851, MONDO:0012505, OMIM 610475.
PDE11A-related disorder. Also called: PDE11A-related condition.

Allele frequency attached by ClinVar (database versions not stated): TOPMed below 0.00001.
gnomAD v4.1: 19 of 1,532,446 alleles (0.0012%); highest among the groups gnomAD compares: Middle Eastern, 0.034%; no homozygotes.

Submissions (2):

Genomic Medicine Center of Excellence, King Faisal Specialist Hospital and Research Centre
Classification: Likely benign for Pigmented nodular adrenocortical disease, primary, 2. Last evaluated: 2024-04-04. Review status: criteria provided, single submitter. Criteria: ACMG Guidelines, 2015. Collection method: clinical testing. Allele origin: germline.

PreventionGenetics, part of Exact Sciences
Classification: Likely benign for PDE11A-related condition. Last evaluated: 2020-10-08. Review status: no assertion criteria provided. Collection method: clinical testing. Allele origin: germline. Not counted in ClinVar's aggregate classification.
Comment: This variant is classified as likely benign based on ACMG/AMP sequence variant interpretation guidelines (Richards et al. 2015 PMID: 25741868, with internal and published modifications).